The following is an entry in ClinVar:

ClinVar aggregate classification (germline): Likely benign. Review status: criteria provided, multiple submitters, no conflicts (2 of 4 stars). 3 submissions from 3 submitters: Likely benign (3). Last evaluated 2026-01-19.

Conditions:
3-methylcrotonyl-CoA carboxylase 2 deficiency. Also called: 3 alpha methylcrotonyl-CoA carboxylase 2 deficiency; 3 alpha methylcrotonylglycinuria 2; MCC 2 deficiency; Methylcrotonylglycinuria type 2; METHYLCROTONYLGLYCINURIA, TYPE II. Identifiers: Orphanet 6, MedGen C1859499, MONDO:0008862, OMIM 210210.

Allele frequency attached by ClinVar (database versions not stated): TOPMed 0.00005; 1000 Genomes Project 0.00060; gnomAD 0.00007 and 0.00010; gnomAD exomes 0.00011 and 0.00003; ExAC 0.00007; 1000 Genomes Project 30x 0.00062.
gnomAD v4.1: 75 of 1,609,754 alleles (0.0047%); highest among the groups gnomAD compares: East Asian, 0.074%; 2 homozygotes.

Submissions (3):

Labcorp Genetics (formerly Invitae), Labcorp
Classification: Likely benign for 3-methylcrotonyl-CoA carboxylase 2 deficiency. Last evaluated: 2026-01-19. Review status: criteria provided, single submitter. Criteria: Invitae Variant Classification Sherloc (09022015). Collection method: clinical testing. Allele origin: germline.

GeneDx
Classification: Likely benign. Last evaluated: 2016-11-17. Review status: criteria provided, single submitter. Criteria: GeneDx Variant Classification (06012015). Collection method: clinical testing. Allele origin: germline. Affected: yes.
Comment: This variant is considered likely benign or benign based on one or more of the following criteria: it is a conservative change, it occurs at a poorly conserved position in the protein, it is predicted to be benign by multiple in silico algorithms, and/or has population frequency not consistent with disease.

PreventionGenetics, part of Exact Sciences
Classification: Likely benign. Review status: criteria provided, single submitter. Criteria: ACMG Guidelines, 2015. Collection method: clinical testing. Allele origin: germline.

NM_022132.5(MCCC2):c.1488+10G>A

Gene: MCCC2 (methylcrotonyl-CoA carboxylase subunit 2; plus strand). Cytogenetic location: 5q13.2.
Variant type: single nucleotide variant.
Coding change: c.1488+10G>A on transcript NM_022132.5 (MANE Select); 10 bases into the intron after coding-DNA position 1488, G replaced by A.
Molecular consequence: intron variant.
Genome position (GRCh38, 1-based): chr5:71,650,193, G>A. VCF-style: chr5-71650193-G-A. GRCh37 (hg19) VCF-style: chr5-70946020-G-A.
Other names: c.1374+10G>A (NM_001363147.1).
Identifiers: ClinVar variation 261556 (VCV000261556.11), dbSNP rs190514867, ClinGen allele CA3298165.